The following is an entry in ClinVar:

ClinVar aggregate classification (germline): Conflicting classifications of pathogenicity. Review status: criteria provided, conflicting classifications (1 of 4 stars). 2 submissions from 2 submitters: Uncertain significance (1); Likely benign (1). Last evaluated 2026-07-09.

Conditions:
Neurofibromatosis, type 1 (NF1). Also called: VON RECKLINGHAUSEN DISEASE; NEUROFIBROMATOSIS, TYPE I, SOMATIC; Peripheral type neurofibromatosis; Neurofibromatosis, type I. Identifiers: Orphanet 636, MedGen C0027831, MONDO:0018975, OMIM 162200. Disease mechanism: loss of function.
Cardiovascular phenotype. Identifiers: MedGen CN230736.
Hereditary cancer-predisposing syndrome. Also called: Neoplastic Syndromes, Hereditary; Tumor predisposition; Hereditary Cancer Syndrome; Hereditary neoplastic syndrome. Identifiers: Orphanet 140162, MedGen C0027672, MeSH D009386, MONDO:0015356.

Allele frequency attached by ClinVar (database versions not stated): gnomAD exomes below 0.00001.
gnomAD v4.1: 1 of 1,613,922 alleles (0.000062%); highest among the groups gnomAD compares: Non-Finnish European, 0.000085%; no homozygotes.

Submissions (2):

Ambry Genetics
Classification: Likely benign for Cardiovascular phenotype; Hereditary cancer-predisposing syndrome. Last evaluated: 2026-07-09. Review status: criteria provided, single submitter. Criteria: Ambry Variant Classification Scheme 2023. Collection method: clinical testing. Allele origin: germline.

Labcorp Genetics (formerly Invitae), Labcorp
Classification: Uncertain significance for Neurofibromatosis, type 1. Last evaluated: 2024-05-21. Review status: criteria provided, single submitter. Criteria: Invitae Variant Classification Sherloc (09022015). Collection method: clinical testing. Allele origin: germline.
Comment: This sequence change replaces serine, which is neutral and polar, with asparagine, which is neutral and polar, at codon 2433 of the NF1 protein (p.Ser2433Asn). This variant is not present in population databases (gnomAD no frequency). This variant has not been reported in the literature in individuals affected with NF1-related conditions. Advanced modeling of protein sequence and biophysical properties (such as structural, functional, and spatial information, amino acid conservation, physicochemical variation, residue mobility, and thermodynamic stability) has been performed at Invitae for this missense variant, however the output from this modeling did not meet the statistical confidence thresholds required to predict the impact of this variant on NF1 protein function. In summary, the available evidence is currently insufficient to determine the role of this variant in disease. Therefore, it has been classified as a Variant of Uncertain Significance.

NM_001042492.3(NF1):c.7361G>A (p.Ser2454Asn)

Gene: NF1 (neurofibromin 1; plus strand). Cytogenetic location: 17q11.2.
Variant type: single nucleotide variant.
Coding change: c.7361G>A on transcript NM_001042492.3 (MANE Select); coding-DNA position 7361, G replaced by A.
Protein change: p.Ser2454Asn; replaces serine 2454 with asparagine.
Molecular consequence: missense variant.
Genome position (GRCh38, 1-based): chr17:31,350,222, G>A. VCF-style: chr17-31350222-G-A. GRCh37 (hg19) VCF-style: chr17-29677240-G-A.
Other names: c.7298G>A, p.Ser2433Asn (NM_000267.4); short protein forms S2433N, S2454N.
Identifiers: ClinVar variation 3237933 (VCV003237933.4), dbSNP rs1555536127.
Genomic context (GRCh38, chr17:31,350,222, plus strand): 5'-CTGCCACCGTTTTCCTTTTAGCTTTACTTACAGTGTCTGAAGAAGTTCGAAGTCGCTGCA[G>A]CCTAAAACATAGAAAGTCACTTCTTCTTACTGATATTTCAATGGAAAATGTTCCTATGGA-3'
Protein context (NP_001035957.1, residues 2444-2464): TVSEEVRSRC[Ser2454Asn]LKHRKSLLLT